The following is an entry in ClinVar:

NM_198129.4(LAMA3):c.8308G>C (p.Ala2770Pro)

Gene: LAMA3 (laminin subunit alpha 3; plus strand). Cytogenetic location: 18q11.2.
Variant type: single nucleotide variant.
Coding change: c.8308G>C on transcript NM_198129.4 (MANE Select); coding-DNA position 8308, G replaced by C.
Protein change: p.Ala2770Pro; replaces alanine 2770 with proline.
Molecular consequence: missense variant.
Genome position (GRCh38, 1-based): chr18:23,928,637, G>C. VCF-style: chr18-23928637-G-C. GRCh37 (hg19) VCF-style: chr18-21508601-G-C.
Other names: c.3481G>C, p.Ala1161Pro (NM_000227.6); c.8140G>C, p.Ala2714Pro (NM_001127717.4); c.3313G>C, p.Ala1105Pro (NM_001127718.4); short protein forms A1161P, A2770P, A2714P, A1105P.
Identifiers: ClinVar variation 429929 (VCV000429929.2), dbSNP rs1131691680, ClinGen allele CA402063704.

ClinVar aggregate classification (germline): Likely pathogenic (1 of 4 stars; one submission).

Submission:

GeneDx
Classification: Likely pathogenic. Last evaluated: 2015-11-23. Review status: criteria provided, single submitter. Criteria: GeneDx Variant Classification (06012015). Collection method: clinical testing. Allele origin: germline. Affected: yes.
Comment: To our knowledge, the A1161P variant has not been published as a pathogenic variant, nor has it been reported as a benign variant. The A1161P variant was not observed in approximately 6,500 individuals of European and African American ancestry in the NHLBI Exome Sequencing Project, indicating it is not a common benign variant in these populations. It is a semi-conservative amino acid substitution, which may impact secondary protein structure as these residues differ in some properties. This substitution occurs at a position that is conserved across species and in silico analysis predicts this variant is probably damaging to the protein structure/function and may affect splicing of exon 26. Therefore, this variant is likely pathogenic; however, the possibility that it is benign cannot be excluded.